The following is an entry in ClinVar:

ClinVar aggregate classification (germline): Uncertain significance (1 of 4 stars; one submission).

Submission:

Dasa
Classification: Uncertain significance. Last evaluated: 2026-05-22. Review status: criteria provided, single submitter. Criteria: DASA Assertion Criteria. Collection method: clinical testing. Allele origin: germline.
Comment: NM_002802.3(PSMC1):c.446C>T (p.Ser149Leu) is a missense variant that results in the substitution of serine with leucine. This variant is rare in population databases. Computational prediction algorithms are consistent with a deleterious effect. The currently available literature and clinical evidence are not sufficient to establish a definitive association between this variant and the reported condition. Therefore, this variant is classified as a variant of uncertain significance.

NM_002802.3(PSMC1):c.446C>T (p.Ser149Leu)

Gene: PSMC1 (proteasome 26S subunit, ATPase 1; plus strand). Cytogenetic location: 14q32.11.
Variant type: single nucleotide variant.
Coding change: c.446C>T on transcript NM_002802.3 (MANE Select); coding-DNA position 446, C replaced by T.
Protein change: p.Ser149Leu; replaces serine 149 with leucine.
Molecular consequence: missense variant.
Genome position (GRCh38, 1-based): chr14:90,263,828, C>T. VCF-style: chr14-90263828-C-T. GRCh37 (hg19) VCF-style: chr14-90730172-C-T.
Other names: c.227C>T, p.Ser76Leu (NM_001330212.2); short protein forms S149L, S76L.
Identifiers: ClinVar variation 5020506 (VCV005020506.1).
Genomic context (GRCh38, chr14:90,263,828, plus strand): 5'-CAGAACACTACGTCAGCATTCTTTCATTTGTAGACAAGGATCTGCTGGAACCTGGCTGCT[C>T]GGTCCTGCTCAACCACAAGGTGAGGTGATAGTCTTTTTCAGAAAGCCCACGGAAGTGCTT-3'
Protein context (NP_002793.2, residues 139-159): VDKDLLEPGC[Ser149Leu]VLLNHKVHAV